The following is an entry in ClinVar:

ClinVar aggregate classification (germline): Uncertain significance (1 of 4 stars; one submission).

Allele frequency attached by ClinVar (database versions not stated): TOPMed 0.00003; ExAC 0.00001; gnomAD 0.00002; ESP Exome Variant Server 0.00015; gnomAD exomes 0.00001.

Submission:

Labcorp Genetics (formerly Invitae), Labcorp
Classification: Uncertain significance. Last evaluated: 2025-06-06. Review status: criteria provided, single submitter. Criteria: Invitae Variant Classification Sherloc (09022015). Collection method: clinical testing. Allele origin: germline.
Comment: This sequence change replaces glycine, which is neutral and non-polar, with arginine, which is basic and polar, at codon 668 of the SIX5 protein (p.Gly668Arg). This variant is present in population databases (rs140585084, gnomAD 0.002%). This variant has not been reported in the literature in individuals affected with SIX5-related conditions. ClinVar contains an entry for this variant (Variation ID: 1958730). An algorithm developed to predict the effect of missense changes on protein structure and function (PolyPhen-2) suggests that this variant is likely to be disruptive. In summary, the available evidence is currently insufficient to determine the role of this variant in disease. Therefore, it has been classified as a Variant of Uncertain Significance.

NM_175875.5(SIX5):c.2002G>A (p.Gly668Arg)

Gene: SIX5 (SIX homeobox 5; minus strand). Cytogenetic location: 19q13.32.
Variant type: single nucleotide variant.
Coding change: c.2002G>A on transcript NM_175875.5 (MANE Select); coding-DNA position 2002, G replaced by A.
Protein change: p.Gly668Arg; replaces glycine 668 with arginine.
Molecular consequence: missense variant.
Genome position (GRCh38, 1-based): chr19:45,765,719, C>T on the plus strand (G>A on the coding strand, the complement: SIX5 is on the minus strand). VCF-style: chr19-45765719-C-T. GRCh37 (hg19) VCF-style: chr19-46268977-C-T.
Other names: short protein forms G668R.
Identifiers: ClinVar variation 1958730 (VCV001958730.5), dbSNP rs140585084, ClinGen allele CA9520436.
Genomic context (GRCh38, chr19:45,765,719, plus strand): 5'-GTGTCCCCAGCCCCTTTTCCGCTTCCAGCAGCCCCTCTGTTCCTGCGCTTAGTTCCAGCC[C>T]TGCTGACCAGACAGGCACGGCCGCGGGTGACAACATCAGCCCCTCTGGTGGGGGCGCCGG-3'
Protein context (NP_787071.3, residues 658-678): SPAAVPVWSA[Gly668Arg]LELSAGTEGL